The following is an entry in ClinVar:

NM_017721.5(CC2D1A):c.963C>T (p.Asp321=)

Gene: CC2D1A (coiled-coil and C2 domain containing 1A; plus strand). Cytogenetic location: 19p13.12.
Variant type: single nucleotide variant.
Coding change: c.963C>T on transcript NM_017721.5 (MANE Select); coding-DNA position 963, C replaced by T.
Protein change: p.Asp321=; no amino-acid change (aspartic acid 321 retained).
Molecular consequence: synonymous variant.
Genome position (GRCh38, 1-based): chr19:13,918,762, C>T. VCF-style: chr19-13918762-C-T. GRCh37 (hg19) VCF-style: chr19-14029575-C-T.
Identifiers: ClinVar variation 721196 (VCV000721196.28), dbSNP rs758574171, ClinGen allele CA9244488.

ClinVar aggregate classification (germline): Likely benign. Review status: criteria provided, multiple submitters, no conflicts (2 of 4 stars). 2 submissions from 2 submitters: Likely benign (2). Last evaluated 2024-03-14.

Allele frequency attached by ClinVar (database versions not stated): gnomAD 0.00004; TOPMed 0.00005.
gnomAD v4.1: 174 of 1,612,560 alleles (0.011%); highest among the groups gnomAD compares: Non-Finnish European, 0.014%; no homozygotes.

Submissions (2):

Labcorp Genetics (formerly Invitae), Labcorp
Classification: Likely benign. Last evaluated: 2024-03-14. Review status: criteria provided, single submitter. Criteria: Invitae Variant Classification Sherloc (09022015). Collection method: clinical testing. Allele origin: germline.

CeGaT Center for Human Genetics Tuebingen
Classification: Likely benign. Last evaluated: 2024-02-01. Review status: criteria provided, single submitter. Criteria: CeGaT Center For Human Genetics Tuebingen Variant Classification Criteria Version 2. Collection method: clinical testing. Allele origin: germline. Affected: yes. Observed: 1 variant allele.
Comment: CC2D1A: BP4, BP7